The following is an entry in ClinVar:

NM_000488.4(SERPINC1):c.1005G>A (p.Val335=)

Gene: SERPINC1 (serpin family C member 1; minus strand). Cytogenetic location: 1q25.1.
Variant type: single nucleotide variant.
Coding change: c.1005G>A on transcript NM_000488.4 (MANE Select); coding-DNA position 1005, G replaced by A.
Protein change: p.Val335=; no amino-acid change (valine 335 retained).
Molecular consequence: synonymous variant.
Genome position (GRCh38, 1-based): chr1:173,909,700, C>T on the plus strand (G>A on the coding strand, the complement: SERPINC1 is on the minus strand). VCF-style: chr1-173909700-C-T. GRCh37 (hg19) VCF-style: chr1-173878838-C-T.
Other names: c.861G>A, p.Val287= (NM_001365052.2); c.1128G>A, p.Val376= (NM_001386302.1); c.1086G>A, p.Val362= (NM_001386303.1); c.984G>A, p.Val328= (NM_001386304.1); c.948G>A, p.Val316= (NM_001386305.1); c.789G>A, p.Val263= (NM_001386306.1).
Identifiers: ClinVar variation 293838 (VCV000293838.17), dbSNP rs192187532, ClinGen allele CA1251298.

ClinVar aggregate classification (germline): Benign/Likely benign. Review status: criteria provided, multiple submitters, no conflicts (2 of 4 stars). 5 submissions from 5 submitters: Benign (1); Likely benign (3). 1 of the submissions does not count toward it. Last evaluated 2026-02-02.

Conditions:
SERPINC1-related disorder. Also called: SERPINC1-related condition.
Hereditary antithrombin deficiency (AT3D). Also called: Antithrombin III deficiency; Thrombophilia due to antithrombin III deficiency; Reduced antithrombin III activity; Antithrombin deficiency. Identifiers: Orphanet 82, MedGen C0272375, MONDO:0013144, OMIM 613118, HP:0001976.

Allele frequency attached by ClinVar (database versions not stated): gnomAD exomes 0.00023 and 0.00103; gnomAD 0.00031 and 0.00043; TOPMed 0.00045; ExAC 0.00086; 1000 Genomes Project 30x 0.00328; 1000 Genomes Project 0.00339.

Submissions (5):

Labcorp Genetics (formerly Invitae), Labcorp
Classification: Benign for Hereditary antithrombin deficiency. Last evaluated: 2026-02-02. Review status: criteria provided, single submitter. Criteria: Invitae Variant Classification Sherloc (09022015). Collection method: clinical testing. Allele origin: germline.

Blueprint Genetics
Classification: Likely benign. Last evaluated: 2024-11-20. Review status: criteria provided, single submitter. Criteria: ACMG Guidelines, 2015. Collection method: clinical testing. Allele origin: germline.

Fulgent Genetics
Classification: Likely benign for Hereditary antithrombin deficiency. Last evaluated: 2021-08-24. Review status: criteria provided, single submitter. Criteria: ACMG Guidelines, 2015. Collection method: clinical testing. Allele origin: unknown.

Illumina Laboratory Services, Illumina
Classification: Likely benign for Hereditary antithrombin deficiency. Last evaluated: 2017-04-27. Review status: criteria provided, single submitter. Criteria: ICSL Variant Classification Criteria 13 December 2019. Collection method: clinical testing. Allele origin: germline.
Comment: This variant was observed as part of a predisposition screen in an ostensibly healthy population. A literature search was performed for the gene, cDNA change, and amino acid change (where applicable). No publications were found based on this search. Allele frequency data from public databases allowed determination this variant is unlikely to cause disease. Therefore, this variant is classified as likely benign.

PreventionGenetics, part of Exact Sciences
Classification: Likely benign for SERPINC1-related condition. Last evaluated: 2024-03-05. Review status: no assertion criteria provided. Collection method: clinical testing. Allele origin: germline. Not counted in ClinVar's aggregate classification.
Comment: This variant is classified as likely benign based on ACMG/AMP sequence variant interpretation guidelines (Richards et al. 2015 PMID: 25741868, with internal and published modifications).